The following is an entry in ClinVar:

NM_003412.4(ZIC1):c.643C>T (p.Arg215Cys)

Gene: ZIC1 (Zic family member 1; plus strand). Cytogenetic location: 3q24.
Variant type: single nucleotide variant.
Coding change: c.643C>T on transcript NM_003412.4 (MANE Select); coding-DNA position 643, C replaced by T.
Protein change: p.Arg215Cys; replaces arginine 215 with cysteine.
Molecular consequence: missense variant.
Genome position (GRCh38, 1-based): chr3:147,410,755, C>T. VCF-style: chr3-147410755-C-T. GRCh37 (hg19) VCF-style: chr3-147128542-C-T.
Other names: short protein forms R215C.
Identifiers: ClinVar variation 3359777 (VCV003359777.1).

ClinVar aggregate classification (germline): Uncertain significance (1 of 4 stars; one submission).

Submission:

GeneDx
Classification: Uncertain significance. Last evaluated: 2023-06-20. Review status: criteria provided, single submitter. Criteria: GeneDx Variant Classification Process June 2021. Collection method: clinical testing. Allele origin: germline. Affected: yes.
Comment: Not observed at significant frequency in large population cohorts (gnomAD); In silico analysis supports that this missense variant has a deleterious effect on protein structure/function; Has not been previously published as pathogenic or benign to our knowledge